The following is an entry in ClinVar:

NM_016277.5(RAB23):c.*811G>A

Genes: RAB23 (RAB23, member RAS oncogene family; minus strand), BAG2 (BAG cochaperone 2; plus strand). Cytogenetic location: 6p12.1.
Variant type: single nucleotide variant.
Coding change: c.*811G>A on transcript NM_016277.5 (MANE Select); 811 bases downstream of the stop codon, G replaced by A.
Molecular consequence: 3 prime UTR variant. On other transcripts: non-coding transcript variant (1).
Genome position (GRCh38, 1-based): chr6:57,189,650, C>T on the plus strand (G>A on the coding strand, the complement: RAB23 is on the minus strand). VCF-style: chr6-57189650-C-T. GRCh37 (hg19) VCF-style: chr6-57054448-C-T.
Other names: c.*811G>A (NM_001278666.2, NM_001278667.2, NM_001278668.2 and 1 more transcripts); c.*5460C>T (NM_004282.4).
Identifiers: ClinVar variation 357631 (VCV000357631.5), dbSNP rs16888378, ClinGen allele CA10622546.
Genomic context (GRCh38, chr6:57,189,650, plus strand): 5'-CAATAAGGCTCACCTGGGAGATGCTCTAGCATTCAAATTCCTATACTCCTCTTTTATCTA[C>T]GCTGTCAGATGAAAACTGCTTACTGCTTTTAAAAGATATAATAAACAATATAAATTCTGA-3'

ClinVar aggregate classification (germline): Benign (1 of 4 stars; one submission).

Conditions:
RAB23-related Carpenter syndrome. Also called: ACPS II; Carpenter syndrome 1. Identifiers: Orphanet 65759, MedGen C4551510, MONDO:0008710, OMIM 201000.

Allele frequency attached by ClinVar (database versions not stated): TOPMed 0.01346; 1000 Genomes Project 0.01518; gnomAD 0.01230 and 0.01316; 1000 Genomes Project 30x 0.01593.

Submission:

Illumina Laboratory Services, Illumina
Classification: Benign for RAB23-related Carpenter syndrome. Last evaluated: 2018-01-13. Review status: criteria provided, single submitter. Criteria: ICSL Variant Classification Criteria 13 December 2019. Collection method: clinical testing. Allele origin: germline.
Comment: This variant was observed in the ICSL laboratory as part of a predisposition screen in an ostensibly healthy population. It had not been previously curated by ICSL or reported in the Human Gene Mutation Database (HGMD: prior to June 1st, 2018), and was therefore a candidate for classification through an automated scoring system. Utilizing variant allele frequency, disease prevalence and penetrance estimates, and inheritance mode, an automated score was calculated to assess if this variant is too frequent to cause the disease. Based on the score and internal cut-off values, a variant classified as benign is not then subjected to further curation. The score for this variant resulted in a classification of benign for this disease.